The following is an entry in ClinVar:

NC_000016.10:g.(?_30992801)_(31068051_?)del

Genes: STX1B (syntaxin 1B; minus strand), STX4 (syntaxin 4; plus strand), ZNF668 (zinc finger protein 668; minus strand), LOC130058885 (ATAC-STARR-seq lymphoblastoid active region 10742; plus strand), LOC130058886 (ATAC-STARR-seq lymphoblastoid active region 10743; plus strand) and 1 more. Cytogenetic location: 16p11.2.
Variant type: Deletion.
Identifiers: ClinVar variation 475337 (VCV000475337.1).

ClinVar aggregate classification (germline): Pathogenic (1 of 4 stars; one submission).

Conditions:
Generalized epilepsy with febrile seizures plus, type 9 (GEFSP9). Also called: GEFS+, TYPE 9. Identifiers: Orphanet 36387, MedGen C4015395, MONDO:0014517, OMIM 616172.

Submission:

Labcorp Genetics (formerly Invitae), Labcorp
Classification: Pathogenic for Generalized epilepsy with febrile seizures plus, type 9. Last evaluated: 2018-03-13. Review status: criteria provided, single submitter. Criteria: Invitae Variant Classification Sherloc (09022015). Collection method: clinical testing. Allele origin: germline.
Comment: A gross deletion of the genomic region encompassing the full coding sequence of the STX1B gene has been identified. The boundaries of this event are unknown as the deletion extends beyond the assayed region for this gene and therefore may encompass additional genes. Isolated whole-gene deletions of STX1B have not been reported in the literature. However, larger copy number events that include this gene have been reported in individuals affected with myoclonic astatic epilepsy, developmental delay, and dysmorphic features (PMID: 25362483, 26818399). Loss-of-function variants in STX1B are known to be pathogenic (PMID: 25362483). For these reasons, this variant has been classified as Pathogenic.

Literature cited by the submitters: PubMed 25362483; PubMed 26818399.